The following is an entry in ClinVar:

ClinVar aggregate classification (germline): Uncertain significance. Review status: criteria provided, multiple submitters, no conflicts (2 of 4 stars). 6 submissions from 6 submitters: Uncertain significance (4). 2 of the submissions do not count toward it. Last evaluated 2025-08-29.

Conditions:
PEX10-related disorder. Also called: PEX10-related condition.
Zellweger spectrum disorders (ZS). Also called: Zellweger Spectrum Disorder; Zellweger Spectrum; Zellweger Spectrum Disorder (ZSD); Zellweger syndrome. Identifiers: Orphanet 912, MedGen C0043459, MONDO:0019609.
Inborn genetic diseases. Identifiers: MedGen C0950123, MeSH D030342.
Peroxisome biogenesis disorder, complementation group 7 (CG7). Also called: Peroxisome biogenesis disorder, complementation group B. Identifiers: MedGen C1864399.

Allele frequency attached by ClinVar (database versions not stated): ExAC 0.00002; gnomAD exomes 0.00005; gnomAD 0.00008 and 0.00009; TOPMed 0.00008.

Submissions (6):

Ambry Genetics
Classification: Uncertain significance for Inborn genetic diseases. Last evaluated: 2025-08-29. Review status: criteria provided, single submitter. Criteria: Ambry Variant Classification Scheme 2023. Collection method: clinical testing. Allele origin: germline.

Labcorp Genetics (formerly Invitae), Labcorp
Classification: Uncertain significance for Peroxisome biogenesis disorder, complementation group 7. Last evaluated: 2022-10-14. Review status: criteria provided, single submitter. Criteria: Invitae Variant Classification Sherloc (09022015). Collection method: clinical testing. Allele origin: germline.
Comment: This sequence change replaces valine, which is neutral and non-polar, with isoleucine, which is neutral and non-polar, at codon 74 of the PEX10 protein (p.Val74Ile). This variant is present in population databases (rs768438726, gnomAD 0.02%). This variant has not been reported in the literature in individuals affected with PEX10-related conditions. ClinVar contains an entry for this variant (Variation ID: 598728). Algorithms developed to predict the effect of missense changes on protein structure and function are either unavailable or do not agree on the potential impact of this missense change (SIFT: "Tolerated"; PolyPhen-2: "Probably Damaging"; Align-GVGD: "Class C0"). In summary, the available evidence is currently insufficient to determine the role of this variant in disease. Therefore, it has been classified as a Variant of Uncertain Significance.

Blueprint Genetics
Classification: Uncertain significance. Last evaluated: 2022-06-10. Review status: criteria provided, single submitter. Criteria: ACMG Guidelines, 2015. Collection method: clinical testing. Allele origin: germline.

Eurofins Ntd Llc (ga)
Classification: Uncertain significance. Last evaluated: 2018-09-18. Review status: criteria provided, single submitter. Criteria: EGL ClinVar v180209 classification definitions. Collection method: clinical testing. Allele origin: germline. Observed: 1 variant allele, 1 heterozygote.

PreventionGenetics, part of Exact Sciences
Classification: Uncertain significance for PEX10-related condition. Last evaluated: 2024-07-01. Review status: no assertion criteria provided. Collection method: clinical testing. Allele origin: germline. Not counted in ClinVar's aggregate classification.
Comment: The PEX10 c.220G>A variant is predicted to result in the amino acid substitution p.Val74Ile. To our knowledge, this variant has not been reported in the literature. This variant is reported in 0.017% of alleles in individuals of Latino descent in gnomAD. At this time, the clinical significance of this variant is uncertain due to the absence of conclusive functional and genetic evidence.

Natera, Inc.
Classification: Uncertain significance for Zellweger syndrome. Last evaluated: 2020-05-27. Review status: no assertion criteria provided. Collection method: clinical testing. Allele origin: germline. Not counted in ClinVar's aggregate classification.

NM_002617.4(PEX10):c.220G>A (p.Val74Ile)

Gene: PEX10 (peroxisomal biogenesis factor 10; minus strand). Cytogenetic location: 1p36.32.
Variant type: single nucleotide variant.
Coding change: c.220G>A on transcript NM_002617.4 (MANE Select); coding-DNA position 220, G replaced by A.
Protein change: p.Val74Ile; replaces valine 74 with isoleucine.
Molecular consequence: missense variant. On other transcripts: 5 prime UTR variant (2), non-coding transcript variant (1).
Genome position (GRCh38, 1-based): chr1:2,408,832, C>T on the plus strand (G>A on the coding strand, the complement: PEX10 is on the minus strand). VCF-style: chr1-2408832-C-T. GRCh37 (hg19) VCF-style: chr1-2340271-C-T.
Other names: c.220G>A, p.Val74Ile (NM_001374425.1, NM_153818.2); c.-213G>A (NM_001374426.1, NM_001374427.1); short protein forms V74I.
Identifiers: ClinVar variation 598728 (VCV000598728.12), dbSNP rs768438726, ClinGen allele CA538245.